The following is an entry in ClinVar:

NM_007194.4(CHEK2):c.1116_1117inv (p.Lys373Glu)

Gene: CHEK2 (checkpoint kinase 2; minus strand). Cytogenetic location: 22q12.1.
Variant type: Inversion.
Coding change: c.1116_1117inv on transcript NM_007194.4 (MANE Select).
Protein change: p.Lys373Glu; replaces lysine 373 with glutamic acid.
Molecular consequence: missense variant.
Genome position: GRCh38 VCF-style: chr22-28695852-TG-CA. GRCh37 (hg19) VCF-style: chr22-29091840-TG-CA.
Other names: c.1116_1117delinsTG (NM_007194.4); c.1245_1246invCA, p.Lys416Glu (NM_001005735.3); c.453_454invCA, p.Lys152Glu (NM_001257387.3); c.915_916invCA, p.Lys306Glu (NM_001349956.3); c.1029_1030invCA, p.Lys344Glu (NM_145862.3); short protein forms K152E, K306E, K344E, K373E, K416E.
Identifiers: ClinVar variation 2228603 (VCV002228603.3), ClinGen allele CA645600888.

ClinVar aggregate classification (germline): Uncertain significance. Review status: criteria provided, multiple submitters, no conflicts (2 of 4 stars). 2 submissions from 2 submitters: Uncertain significance (2). Last evaluated 2025-03-04.

Conditions:
Hereditary cancer-predisposing syndrome. Also called: Neoplastic Syndromes, Hereditary; Tumor predisposition; Hereditary Cancer Syndrome; Hereditary neoplastic syndrome. Identifiers: Orphanet 140162, MedGen C0027672, MeSH D009386, MONDO:0015356.

Submissions (2):

Center for Genomic Medicine, Rigshospitalet, Copenhagen University Hospital
Classification: Uncertain significance. Last evaluated: 2025-03-04. Review status: criteria provided, single submitter. Criteria: ACMG Guidelines, 2015. Collection method: clinical testing. Allele origin: germline.

Ambry Genetics
Classification: Uncertain significance for Hereditary cancer-predisposing syndrome. Last evaluated: 2022-08-18. Review status: criteria provided, single submitter. Criteria: Ambry Variant Classification Scheme 2023. Collection method: clinical testing. Allele origin: germline.
Comment: The c.1116_1117delCAinsTG (p.K373E) alteration, located in exon 11 (coding exon 10) of the CHEK2 gene, consists of an in-frame substitution of 2 nucleotides from position 1116 to 1117, resulting in the insertion of <NA> residues. Based on insufficient or conflicting evidence, the clinical significance of this alteration remains unclear.

Literature cited by the submitters: PubMed 30287823 (cited by Center for Genomic Medicine, Rigshospitalet, Copenhagen University Hospital); PubMed 37449874 (cited by Center for Genomic Medicine, Rigshospitalet, Copenhagen University Hospital).